The following is an entry in ClinVar:

ClinVar aggregate classification (germline): Uncertain significance (1 of 4 stars; one submission).

Conditions:
Hereditary orotic aciduria, type 1. Also called: Orotic aciduria type 1; Oroticaciduria 1. Identifiers: MedGen C0268130.

Submission:

Labcorp Genetics (formerly Invitae), Labcorp
Classification: Uncertain significance for Hereditary orotic aciduria, type 1. Last evaluated: 2018-06-30. Review status: criteria provided, single submitter. Criteria: Invitae Variant Classification Sherloc (09022015). Collection method: clinical testing. Allele origin: germline.
Comment: The current clinical and genetic evidence is not sufficient to establish whether loss-of-function variants in UMPS cause disease. This variant has been observed as heterozygous in an individual affected with mild orotic aciduria (PMID: 28205048). This variant is not present in population databases (ExAC no frequency). This sequence change creates a premature translational stop signal (p.Lys101Argfs*9) in the UMPS gene. It is expected to result in an absent or disrupted protein product. In summary, the available evidence is currently insufficient to determine the role of this variant in disease. Therefore, it has been classified as a Variant of Uncertain Significance.

Literature cited by the submitters: PubMed 28205048.

NM_000373.4(UMPS):c.302del (p.Lys101fs)

Gene: UMPS (uridine monophosphate synthetase; plus strand). Cytogenetic location: 3q21.2.
Variant type: Deletion.
Coding change: c.302del on transcript NM_000373.4 (MANE Select); coding-DNA position 302, one base deleted (A; older notation c.302delA).
Protein change: p.Lys101fs; shifts the reading frame from lysine 101.
Molecular consequence: frameshift variant. On other transcripts: non-coding transcript variant (1).
Genome position (GRCh38, 1-based): chr3:124,735,238, A deleted; the last of 3 consecutive A bases (chr3:124,735,236-124,735,238); deleting any one gives the same sequence. VCF-style (leftmost placement, unchanged base first): chr3-124735235-CA-C. GRCh37 (hg19) VCF-style: chr3-124454082-CA-C.
Other names: short protein forms K101fs.
Identifiers: ClinVar variation 1018561 (VCV001018561.8), dbSNP rs2063509434, ClinGen allele CA1398970055.
Genomic context (GRCh38, chr3:124,735,235, plus strand): 5'-CATTGGCTACAGTTATCTGTTCAACCAATCAAATTCCAATGCTTATTAGAAGGAAAGAAA[CA>C]AAGGATTATGGTAAAATAAAAGTAACATAAAGCATGAAGTTAATTAATCTGTAACATCAT-3'